The following is an entry in ClinVar:

NM_003660.4(PPFIA3):c.2609T>A (p.Ile870Asn)

Gene: PPFIA3 (PTPRF interacting protein alpha 3; plus strand). Cytogenetic location: 19q13.33.
Variant type: single nucleotide variant.
Coding change: c.2609T>A on transcript NM_003660.4 (MANE Select); coding-DNA position 2609, T replaced by A.
Protein change: p.Ile870Asn; replaces isoleucine 870 with asparagine.
Molecular consequence: missense variant. On other transcripts: non-coding transcript variant (1).
Genome position (GRCh38, 1-based): chr19:49,142,868, T>A. VCF-style: chr19-49142868-T-A. GRCh37 (hg19) VCF-style: chr19-49646125-T-A.
Other names: short protein forms I870N.
Identifiers: ClinVar variation 2583123 (VCV002583123.2), dbSNP rs2513986047, ClinGen allele CA406770606.
Genomic context (GRCh38, chr19:49,142,868, plus strand): 5'-GGGTGGGCATGCCTGCCTGGTATGTGGCCGCCTGCCGGGCCAATGTCAAGAGCGGTGCCA[T>A]CATGGCCAACCTGTCAGACACGGAGATCCAGCGCGAGATCGGCATCAGCAACCCGCTGCA-3'
Protein context (NP_003651.1, residues 860-880): ACRANVKSGA[Ile870Asn]MANLSDTEIQ

ClinVar aggregate classification (germline): Likely pathogenic (1 of 4 stars; one submission).

Submission:

GeneDx
Classification: Likely pathogenic. Last evaluated: 2024-11-18. Review status: criteria provided, single submitter. Criteria: GeneDx Variant Classification Process June 2021. Collection method: clinical testing. Allele origin: germline. Affected: yes.
Comment: De novo variant with confirmed parentage in monozygotic twins with neurodevelopmental disorders in the published literature (PMID: 38181735); Not observed at significant frequency in large population cohorts (gnomAD); In silico analysis supports that this missense variant has a deleterious effect on protein structure/function; This variant is associated with the following publications: (PMID: 38181735)